The following is an entry in ClinVar:

ClinVar aggregate classification (germline): Uncertain significance (1 of 4 stars; one submission).

Conditions:
Hereditary cancer-predisposing syndrome. Also called: Neoplastic Syndromes, Hereditary; Tumor predisposition; Hereditary Cancer Syndrome; Hereditary neoplastic syndrome. Identifiers: Orphanet 140162, MedGen C0027672, MeSH D009386, MONDO:0015356.

Submission:

Ambry Genetics
Classification: Uncertain significance for Hereditary cancer-predisposing syndrome. Last evaluated: 2025-12-26. Review status: criteria provided, single submitter. Criteria: Ambry Variant Classification Scheme 2023. Collection method: clinical testing. Allele origin: germline.
Comment: The p.S905C variant (also known as c.2713A>T), located in coding exon 17 of the CTNNA1 gene, results from an A to T substitution at nucleotide position 2713. The serine at codon 905 is replaced by cysteine, an amino acid with dissimilar properties. This amino acid position is conserved. In addition, the in silico prediction for this alteration is inconclusive. Based on the available evidence, the clinical significance of this variant remains unclear.

NM_001903.5(CTNNA1):c.2713A>T (p.Ser905Cys)

Gene: CTNNA1 (catenin alpha 1; plus strand). Cytogenetic location: 5q31.2.
Variant type: single nucleotide variant.
Coding change: c.2713A>T on transcript NM_001903.5 (MANE Select); coding-DNA position 2713, A replaced by T.
Protein change: p.Ser905Cys; replaces serine 905 with cysteine.
Molecular consequence: missense variant. On other transcripts: 3 prime UTR variant (5).
Genome position (GRCh38, 1-based): chr5:138,934,081, A>T. VCF-style: chr5-138934081-A-T. GRCh37 (hg19) VCF-style: chr5-138269770-A-T.
Other names: c.*258A>T (NM_001290307.3, NM_001324002.1, NM_001324003.1 and 2 more transcripts); c.2404A>T, p.Ser802Cys (NM_001290309.3); c.2344A>T, p.Ser782Cys (NM_001290310.3); c.1603A>T, p.Ser535Cys (NM_001290312.1, NM_001323987.1, NM_001323997.1 and 12 more transcripts); c.2713A>T, p.Ser905Cys (NM_001323982.2, NM_001323983.1, NM_001323984.2); c.2686A>T, p.Ser896Cys (NM_001323985.2); c.2620A>T, p.Ser874Cys (NM_001323986.2); c.1468A>T, p.Ser490Cys (NM_001324001.1); and 3 more; short protein forms S504C, S782C, S874C, S422C, S896C, S454C, S490C, S802C.
Identifiers: ClinVar variation 4841650 (VCV004841650.1).